The following is an entry in ClinVar:

NM_001387430.1(SH2B1):c.449A>G (p.Lys150Arg)

Gene: SH2B1 (SH2B adaptor protein 1; plus strand). Cytogenetic location: 16p11.2.
Variant type: single nucleotide variant.
Coding change: c.449A>G on transcript NM_001387430.1 (MANE Select); coding-DNA position 449, A replaced by G.
Protein change: p.Lys150Arg; replaces lysine 150 with arginine.
Molecular consequence: missense variant. On other transcripts: intron variant (1).
Genome position (GRCh38, 1-based): chr16:28,866,543, A>G. VCF-style: chr16-28866543-A-G. GRCh37 (hg19) VCF-style: chr16-28877864-A-G.
Other names: c.449A>G (NM_001145795.1); c.449A>G, p.Lys150Arg (NM_001145795.2, NM_001145796.2, NM_001145797.2 and 4 more transcripts); c.-26-831A>G (NM_001308294.2); short protein forms K150R.
Identifiers: ClinVar variation 1475750 (VCV001475750.10), dbSNP rs141195883, ClinGen allele CA7985931.

ClinVar aggregate classification (germline): Uncertain significance. Review status: criteria provided, multiple submitters, no conflicts (2 of 4 stars). 2 submissions from 2 submitters: Uncertain significance (2). Last evaluated 2026-08-28.

Conditions:
SH2B1-related disorder. Also called: SH2B1-related condition.

Allele frequency attached by ClinVar (database versions not stated): ExAC 0.00007; gnomAD exomes 0.00010 and 0.00012; gnomAD 0.00011; TOPMed 0.00012; ESP Exome Variant Server 0.00031.
gnomAD v4.1: 161 of 1,613,932 alleles (0.01%); highest among the groups gnomAD compares: Middle Eastern, 0.016%; no homozygotes.

Submissions (2):

PreventionGenetics, part of Exact Sciences
Classification: Uncertain significance for SH2B1-related condition. Last evaluated: 2026-08-28. Review status: criteria provided, single submitter. Criteria: ACMG Guidelines, 2015. Collection method: clinical testing. Allele origin: germline.
Comment: The SH2B1 c.449A>G variant is predicted to result in the amino acid substitution p.Lys150Arg. This variant was identified in one child with obesity (Flores et al. 2019. PubMed ID: 31439647) but is also documented in over 30 heterozygous individuals of unknown phenotype in the gnomAD database (0.019% of alleles in individuals of Non-Finish European descent). At this time, the clinical significance of this variant is uncertain due to the absence of conclusive functional and genetic evidence.

Labcorp Genetics (formerly Invitae), Labcorp
Classification: Uncertain significance. Last evaluated: 2026-01-26. Review status: criteria provided, single submitter. Criteria: Invitae Variant Classification Sherloc (09022015). Collection method: clinical testing. Allele origin: germline.
Comment: This sequence change replaces lysine, which is basic and polar, with arginine, which is basic and polar, at codon 150 of the SH2B1 protein (p.Lys150Arg). This variant is present in population databases (rs141195883, gnomAD 0.02%). This missense change has been observed in individual(s) with clinical features of SH2B1-related conditions (PMID: 31439647). ClinVar contains an entry for this variant (Variation ID: 1475750). An algorithm developed to predict the effect of missense changes on protein structure and function (PolyPhen-2) suggests that this variant is likely to be disruptive. Experimental studies have shown that this missense change affects SH2B1 function (PMID: 29631267). In summary, the available evidence is currently insufficient to determine the role of this variant in disease. Therefore, it has been classified as a Variant of Uncertain Significance.

Literature cited by the submitters: PubMed 31439647 (cited by Labcorp Genetics (formerly Invitae), Labcorp); PubMed 29631267 (cited by Labcorp Genetics (formerly Invitae), Labcorp).